The following is an entry in ClinVar:

NM_001288705.3(CSF1R):c.2188T>C (p.Ser730Pro)

Gene: CSF1R (colony stimulating factor 1 receptor; minus strand). Cytogenetic location: 5q32.
Variant type: single nucleotide variant.
Coding change: c.2188T>C on transcript NM_001288705.3 (MANE Select); coding-DNA position 2188, T replaced by C.
Protein change: p.Ser730Pro; replaces serine 730 with proline.
Molecular consequence: missense variant. On other transcripts: non-coding transcript variant (2).
Genome position (GRCh38, 1-based): chr5:150,057,537, A>G on the plus strand (T>C on the coding strand, the complement: CSF1R is on the minus strand). VCF-style: chr5-150057537-A-G. GRCh37 (hg19) VCF-style: chr5-149437100-A-G.
Other names: c.2188T>C (NM_005211.3); c.2188T>C, p.Ser730Pro (NM_001349736.2, NM_001375320.1, NM_005211.4); c.1744T>C, p.Ser582Pro (NM_001375321.1); short protein forms S582P, S730P.
Identifiers: ClinVar variation 1357243 (VCV001357243.7), dbSNP rs1379743229, ClinGen allele CA361760591.

ClinVar aggregate classification (germline): Uncertain significance. Review status: criteria provided, multiple submitters, no conflicts (2 of 4 stars). 2 submissions from 2 submitters: Uncertain significance (2). Last evaluated 2025-07-07.

Conditions:
Inborn genetic diseases. Identifiers: MedGen C0950123, MeSH D030342.

Allele frequency attached by ClinVar (database versions not stated): gnomAD exomes below 0.00001.
gnomAD v4.1: 3 of 1,614,224 alleles (0.00019%); highest among the groups gnomAD compares: East Asian, 0.0045%; no homozygotes.

Submissions (2):

Labcorp Genetics (formerly Invitae), Labcorp
Classification: Uncertain significance. Last evaluated: 2025-07-07. Review status: criteria provided, single submitter. Criteria: Invitae Variant Classification Sherloc (09022015). Collection method: clinical testing. Allele origin: germline.
Comment: This sequence change replaces serine, which is neutral and polar, with proline, which is neutral and non-polar, at codon 730 of the CSF1R protein (p.Ser730Pro). This variant is present in population databases (no rsID available, gnomAD 0.006%). This variant has not been reported in the literature in individuals affected with CSF1R-related conditions. ClinVar contains an entry for this variant (Variation ID: 1357243). Invitae Evidence Modeling of protein sequence and biophysical properties (such as structural, functional, and spatial information, amino acid conservation, physicochemical variation, residue mobility, and thermodynamic stability) indicates that this missense variant is not expected to disrupt CSF1R protein function with a negative predictive value of 95%. In summary, the available evidence is currently insufficient to determine the role of this variant in disease. Therefore, it has been classified as a Variant of Uncertain Significance.

Ambry Genetics
Classification: Uncertain significance for Inborn genetic diseases. Last evaluated: 2025-03-07. Review status: criteria provided, single submitter. Criteria: Ambry Variant Classification Scheme 2023. Collection method: clinical testing. Allele origin: germline.